The following is an entry in ClinVar:

NM_001378454.1(ALMS1):c.11596A>G (p.Ser3866Gly)

Gene: ALMS1 (ALMS1 centrosome and basal body associated protein; plus strand). Cytogenetic location: 2p13.1.
Variant type: single nucleotide variant.
Coding change: c.11596A>G on transcript NM_001378454.1 (MANE Select); coding-DNA position 11596, A replaced by G.
Protein change: p.Ser3866Gly; replaces serine 3866 with glycine.
Molecular consequence: missense variant.
Genome position (GRCh38, 1-based): chr2:73,599,449, A>G. VCF-style: chr2-73599449-A-G. GRCh37 (hg19) VCF-style: chr2-73826576-A-G.
Other names: c.11599A>G, p.Ser3867Gly (NM_015120.4); short protein forms S3866G, S3867G.
Identifiers: ClinVar variation 1466570 (VCV001466570.6), dbSNP rs2104188910, ClinGen allele CA347262833.
Genomic context (GRCh38, chr2:73,599,449, plus strand): 5'-TTATTTTTCTAGGTAGCAAACCATGTGATTTCTTCTGACTCTATTTCCTCTTCTGCCAGT[A>G]GTTTCCTGAGCTCAAACTCTACTTTTTGCAACAAGCAGAATGTACACATGTTAAACAAGG-3'
Protein context (NP_001365383.1, residues 3856-3876): SSDSISSSAS[Ser3866Gly]FLSSNSTFCN

ClinVar aggregate classification (germline): Uncertain significance (1 of 4 stars; one submission).

Conditions:
Alstrom syndrome (ALMS). Identifiers: Orphanet 64, MedGen C0268425, MONDO:0008763, OMIM 203800.

Submission:

Labcorp Genetics (formerly Invitae), Labcorp
Classification: Uncertain significance for Alstrom syndrome. Last evaluated: 2021-11-24. Review status: criteria provided, single submitter. Criteria: Invitae Variant Classification Sherloc (09022015). Collection method: clinical testing. Allele origin: germline.
Comment: This sequence change replaces serine, which is neutral and polar, with glycine, which is neutral and non-polar, at codon 3867 of the ALMS1 protein (p.Ser3867Gly). This variant is not present in population databases (gnomAD no frequency). This variant has not been reported in the literature in individuals affected with ALMS1-related conditions. Experimental studies and prediction algorithms are not available or were not evaluated, and the functional significance of this variant is currently unknown. In summary, the available evidence is currently insufficient to determine the role of this variant in disease. Therefore, it has been classified as a Variant of Uncertain Significance.